The following is an entry in ClinVar:

NM_001267550.2(TTN):c.78583_78598del (p.Met26195fs)

Genes: TTN-AS1 (TTN antisense RNA 1; plus strand), TTN (titin; minus strand). Cytogenetic location: 2q31.2.
Variant type: Deletion.
Coding change: c.78583_78598del on transcript NM_001267550.2 (MANE Select); coding-DNA positions 78583 to 78598, 16 bases deleted (ATGGATCCAAAATTCA).
Protein change: p.Met26195fs; shifts the reading frame from methionine 26195.
Molecular consequence: frameshift variant.
Genome position (GRCh38, 1-based): chr2:178,567,534-178,567,549, TGAATTTTGGATCCAT deleted on the plus strand (ATGGATCCAAAATTCA on the coding strand, the reverse complement: TTN is on the minus strand); deleting any 16 consecutive bases within chr2:178,567,534-178,567,553 gives the same sequence; the c. name uses the placement nearest the transcript's 3' end. VCF-style (leftmost placement, unchanged base first): chr2-178567533-CTGAATTTTGGATCCAT-C. GRCh37 (hg19) VCF-style: chr2-179432260-CTGAATTTTGGATCCAT-C.
Other names: c.73660_73675del, p.Met24554fs (NM_001256850.1); c.51388_51403del, p.Met17130fs (NM_003319.4); c.70879_70894del, p.Met23627fs (NM_133378.4); c.51763_51778del, p.Met17255fs (NM_133432.3); c.51964_51979del, p.Met17322fs (NM_133437.4); short protein forms M26195fs, M17130fs, M24554fs, M17255fs, M23627fs, M17322fs.
Identifiers: ClinVar variation 4784938 (VCV004784938.1).
Genomic context (GRCh38, chr2:178,567,533, plus strand): 5'-TTTCCATGGACATCAGCCTCAAGTCTGAATGTTTCTCCAGCATTTACCACAATTGTGTCT[CTGAATTTTGGATCCAT>C]TGAAATTCTTGGGAGTTCAACCTCATCCTTGGCAGTTATTGGTCCAGTACTGTCAGAGGG-3'

ClinVar aggregate classification (germline): Likely pathogenic (1 of 4 stars; one submission).

Conditions:
Autosomal recessive limb-girdle muscular dystrophy type 2J (LGMDR10). Also called: Limb-girdle muscular dystrophy, type 2J; MUSCULAR DYSTROPHY, LIMB-GIRDLE, AUTOSOMAL RECESSIVE 10. Identifiers: Orphanet 140922, MedGen C1837342, MONDO:0012127, OMIM 608807.
Dilated cardiomyopathy 1G (CMD1G). Identifiers: Orphanet 154, MedGen C1858763, MONDO:0011400, OMIM 604145.

Submission:

Labcorp Genetics (formerly Invitae), Labcorp
Classification: Likely pathogenic for Dilated cardiomyopathy 1G; Autosomal recessive limb-girdle muscular dystrophy type 2J. Last evaluated: 2025-12-08. Review status: criteria provided, single submitter. Criteria: Invitae Variant Classification Sherloc (09022015). Collection method: clinical testing. Allele origin: germline.
Comment: This sequence change creates a premature translational stop signal (p.Met26195Glufs*6) in the TTN gene. While this is not anticipated to result in nonsense mediated decay, it is expected to create a truncated TTN protein. This variant is not present in population databases (gnomAD no frequency). This variant has not been reported in the literature in individuals affected with TTN-related conditions. This variant is located in the A band of TTN (PMID: 25589632). Truncating variants in this region are significantly overrepresented in patients affected with dilated cardiomyopathy (PMID: 25589632). Truncating variants in this region have also been reported in individuals affected with autosomal recessive centronuclear myopathy (PMID: 23975875). In summary, the currently available evidence indicates that the variant is pathogenic, but additional data are needed to prove that conclusively. Therefore, this variant has been classified as Likely Pathogenic.

Literature cited by the submitters: PubMed 25589632; PubMed 23975875.